The following is an entry in ClinVar:

NM_001134831.2(AHI1):c.1678C>G (p.Pro560Ala)

Gene: AHI1 (Abelson helper integration site 1; minus strand). Cytogenetic location: 6q23.3.
Variant type: single nucleotide variant.
Coding change: c.1678C>G on transcript NM_001134831.2 (MANE Select); coding-DNA position 1678, C replaced by G.
Protein change: p.Pro560Ala; replaces proline 560 with alanine.
Molecular consequence: missense variant.
Genome position (GRCh38, 1-based): chr6:135,447,109, G>C on the plus strand (C>G on the coding strand, the complement: AHI1 is on the minus strand). VCF-style: chr6-135447109-G-C. GRCh37 (hg19) VCF-style: chr6-135768247-G-C.
Other names: c.1678C>G, p.Pro560Ala (NM_001134830.2, NM_001134832.2, NM_001350503.2 and 2 more transcripts); short protein forms P560A.
Identifiers: ClinVar variation 867052 (VCV000867052.10), dbSNP rs1787365319, ClinGen allele CA365744926.

ClinVar aggregate classification (germline): Uncertain significance. Review status: criteria provided, multiple submitters, no conflicts (2 of 4 stars). 2 submissions from 2 submitters: Uncertain significance (2). Last evaluated 2021-07-16.

Conditions:
Joubert syndrome. Also called: JOUBERT-BOLTSHAUSER SYNDROME; Familial aplasia of the vermis. Identifiers: Orphanet 475, MedGen C5979921, MONDO:0018772.

Submissions (2):

Labcorp Genetics (formerly Invitae), Labcorp
Classification: Uncertain significance for Joubert syndrome. Last evaluated: 2021-07-16. Review status: criteria provided, single submitter. Criteria: Invitae Variant Classification Sherloc (09022015). Collection method: clinical testing. Allele origin: germline.
Comment: ClinVar contains an entry for this variant (Variation ID: 867052). In summary, the available evidence is currently insufficient to determine the role of this variant in disease. Therefore, it has been classified as a Variant of Uncertain Significance. Advanced modeling of protein sequence and biophysical properties (such as structural, functional, and spatial information, amino acid conservation, physicochemical variation, residue mobility, and thermodynamic stability) performed at Invitae indicates that this missense variant is not expected to disrupt AHI1 protein function. This variant has not been reported in the literature in individuals affected with AHI1-related conditions. This variant is not present in population databases (ExAC no frequency). This sequence change replaces proline with alanine at codon 560 of the AHI1 protein (p.Pro560Ala). The proline residue is weakly conserved and there is a small physicochemical difference between proline and alanine.

Blueprint Genetics
Classification: Uncertain significance. Last evaluated: 2018-12-20. Review status: criteria provided, single submitter. Criteria: ACMG Guidelines, 2015. Collection method: clinical testing. Allele origin: germline.